The following is an entry in ClinVar:

ClinVar aggregate classification (germline): Pathogenic/Likely pathogenic. Review status: criteria provided, multiple submitters, no conflicts (2 of 4 stars). 3 submissions from 3 submitters: Pathogenic (2); Likely pathogenic (1). Last evaluated 2023-07-06.

Conditions:
Hereditary breast ovarian cancer syndrome. Also called: Hereditary breast and ovarian cancer; Hereditary breast and ovarian cancer syndrome (HBOC); Breast and ovarian cancer; Hereditary breast and ovarian cancer syndrome; BRCA1- and BRCA2-Associated Hereditary Breast and Ovarian Cancer; Hereditary breast and/or ovarian cancer syndrome. Identifiers: Orphanet 145, MedGen C0677776, MeSH D061325, MONDO:0003582. Disease mechanism: loss of function.
Hereditary cancer-predisposing syndrome. Also called: Tumor predisposition; Neoplastic Syndromes, Hereditary; Hereditary neoplastic syndrome; Hereditary Cancer Syndrome. Identifiers: Orphanet 140162, MedGen C0027672, MeSH D009386, MONDO:0015356.

Submissions (3):

Ambry Genetics
Classification: Pathogenic for Hereditary cancer-predisposing syndrome. Last evaluated: 2023-07-06. Review status: criteria provided, single submitter. Criteria: Ambry Variant Classification Scheme 2023. Collection method: clinical testing. Allele origin: germline.
Comment: The c.3937delT pathogenic mutation, located in coding exon 10 of the BRCA2 gene, results from a deletion of one nucleotide at nucleotide position 3937, causing a translational frameshift with a predicted alternate stop codon (p.Y1313Tfs*22). This variant is considered to be rare based on population cohorts in the Genome Aggregation Database (gnomAD). This alteration is expected to result in loss of function by premature protein truncation or nonsense-mediated mRNA decay. As such, this alteration is interpreted as a disease-causing mutation.

Labcorp Genetics (formerly Invitae), Labcorp
Classification: Pathogenic for Hereditary breast ovarian cancer syndrome. Last evaluated: 2019-06-14. Review status: criteria provided, single submitter. Criteria: Invitae Variant Classification Sherloc (09022015). Collection method: clinical testing. Allele origin: germline.
Comment: For these reasons, this variant has been classified as Pathogenic. Loss-of-function variants in BRCA2 are known to be pathogenic (PMID: 20104584). This variant has not been reported in the literature in individuals with BRCA2-related conditions. ClinVar contains an entry for this variant (Variation ID: 632695). This variant is not present in population databases (ExAC no frequency). This sequence change creates a premature translational stop signal (p.Tyr1313Thrfs*22) in the BRCA2 gene. It is expected to result in an absent or disrupted protein product.

Women's Health and Genetics/Laboratory Corporation of America, LabCorp
Classification: Likely pathogenic for Hereditary breast and ovarian cancer syndrome. Last evaluated: 2018-03-08. Review status: criteria provided, single submitter. Criteria: LabCorp Variant Classification Summary - May 2015. Collection method: clinical testing. Allele origin: germline.
Comment: Variant summary: BRCA2 c.3937delT (p.Tyr1313ThrfsX22) results in a premature termination codon, predicted to cause a truncation of the encoded protein or absence of the protein due to nonsense mediated decay, which are commonly known mechanisms for disease. Truncations downstream of this position have been classified as pathogenic by our laboratory (eg. c.3967A>T, p.Lys1323X; c.3975_3978dupTGCT, p.Ala1327fsX4; c.4003G>T, p.Glu1335X). The variant was absent in 94852 control chromosomes (ExAC). To our knowledge, no occurrence of c.3937delT in individuals affected with Hereditary Breast and Ovarian Cancer and no experimental evidence demonstrating its impact on protein function have been reported. No clinical diagnostic laboratories have submitted clinical-significance assessments for this variant to ClinVar after 2014. Based on the evidence outlined above, the variant was classified as likely pathogenic.

Literature cited by the submitters: PubMed 20104584 (cited by Labcorp Genetics (formerly Invitae), Labcorp).

NM_000059.4(BRCA2):c.3937del (p.Tyr1313fs)

Gene: BRCA2 (BRCA2 DNA repair associated; plus strand). Cytogenetic location: 13q13.1.
Variant type: Deletion.
Coding change: c.3937del on transcript NM_000059.4 (MANE Select); coding-DNA position 3937, one base deleted (T; older notation c.3937delT).
Protein change: p.Tyr1313fs; shifts the reading frame from tyrosine 1313.
Molecular consequence: frameshift variant.
Genome position (GRCh38, 1-based): chr13:32,338,292, T deleted; the last of 2 consecutive T bases (chr13:32,338,291-32,338,292); deleting either gives the same sequence. VCF-style (leftmost placement, unchanged base first): chr13-32338290-AT-A. GRCh37 (hg19) VCF-style: chr13-32912427-AT-A.
Other names: c.3937delT (NM_000059.3); short protein forms Y1313fs.
Identifiers: ClinVar variation 632695 (VCV000632695.11), dbSNP rs1566229421, ClinGen allele CA913190944.